The following is an entry in ClinVar:

NM_007289.4(MME):c.439+1G>A

Gene: MME (membrane metalloendopeptidase; plus strand). Cytogenetic location: 3q25.2.
Variant type: single nucleotide variant.
Coding change: c.439+1G>A on transcript NM_007289.4 (MANE Select); the canonical splice donor site of the intron after coding-DNA position 439, G replaced by A.
Molecular consequence: splice donor variant.
Genome position (GRCh38, 1-based): chr3:155,116,560, G>A. VCF-style: chr3-155116560-G-A. GRCh37 (hg19) VCF-style: chr3-154834349-G-A.
Other names: c.439+1G>A (NM_001354642.2, NM_000902.5, NM_007287.4 and 2 more transcripts).
Identifiers: ClinVar variation 2881448 (VCV002881448.4), dbSNP rs1281943901, ClinGen allele CA355127893.
Genomic context (GRCh38, chr3:155,116,560, plus strand): 5'-CTGAAGATATAGTAGCAGTGCAGAAAGCAAAAGCATTGTACAGGTCTTGTATAAATGAAT[G>A]TAAGTGCTCTTCATTTGATTTCATTAGGAGTATATATATATATATATTGGTGCCAAACTA-3'

ClinVar aggregate classification (germline): Likely pathogenic. Review status: criteria provided, multiple submitters, no conflicts (2 of 4 stars). 2 submissions from 2 submitters: Likely pathogenic (2). Last evaluated 2025-08-06.

Conditions:
Charcot-Marie-Tooth disease axonal type 2T. Identifiers: Orphanet 443950, MedGen C4015635, OMIM 617017, MONDO:0014866.

Allele frequency attached by ClinVar (database versions not stated): TOPMed below 0.00001.

Submissions (2):

First Genomix Gene Laboratory, Genetic Diagnostics Department
Classification: Likely pathogenic for Charcot-Marie-Tooth disease axonal type 2T. Last evaluated: 2025-08-06. Review status: criteria provided, single submitter. Criteria: ACMG Guidelines, 2015. Collection method: clinical testing. Allele origin: germline. Inheritance: Autosomal recessive inheritance. Affected: no. Observed: 1 variant allele.

Labcorp Genetics (formerly Invitae), Labcorp
Classification: Likely pathogenic. Last evaluated: 2023-05-25. Review status: criteria provided, single submitter. Criteria: Invitae Variant Classification Sherloc (09022015). Collection method: clinical testing. Allele origin: germline.
Comment: In summary, the currently available evidence indicates that the variant is pathogenic, but additional data are needed to prove that conclusively. Therefore, this variant has been classified as Likely Pathogenic. Algorithms developed to predict the effect of sequence changes on RNA splicing suggest that this variant may disrupt the consensus splice site. This variant has not been reported in the literature in individuals affected with MME-related conditions. This variant is not present in population databases (gnomAD no frequency). This sequence change affects a donor splice site in intron 5 of the MME gene. It is expected to disrupt RNA splicing. Variants that disrupt the donor or acceptor splice site typically lead to a loss of protein function (PMID: 16199547), and loss-of-function variants in MME are known to be pathogenic (PMID: 26991897).

Literature cited by the submitters: PubMed 16199547 (cited by Labcorp Genetics (formerly Invitae), Labcorp); PubMed 26991897 (cited by Labcorp Genetics (formerly Invitae), Labcorp).